The following is an entry in ClinVar:

NM_012418.4(FSCN2):c.1265G>A (p.Arg422Gln)

Gene: FSCN2 (fascin actin-bundling protein 2, retinal; plus strand). Cytogenetic location: 17q25.3.
Variant type: single nucleotide variant.
Coding change: c.1265G>A on transcript NM_012418.4 (MANE Select); coding-DNA position 1265, G replaced by A.
Protein change: p.Arg422Gln; replaces arginine 422 with glutamine.
Molecular consequence: missense variant.
Genome position (GRCh38, 1-based): chr17:81,536,781, G>A. VCF-style: chr17-81536781-G-A. GRCh37 (hg19) VCF-style: chr17-79503807-G-A.
Other names: c.1337G>A, p.Arg446Gln (NM_001077182.3); short protein forms R422Q, R446Q.
Identifiers: ClinVar variation 1523277 (VCV001523277.6), dbSNP rs1263443185, ClinGen allele CA401478302.

ClinVar aggregate classification (germline): Uncertain significance (1 of 4 stars; one submission).

Allele frequency attached by ClinVar (database versions not stated): TOPMed 0.00001; gnomAD 0.00002; gnomAD exomes 0.00002.
gnomAD v4.1: 9 of 1,594,540 alleles (0.00056%); highest among the groups gnomAD compares: Admixed American, 0.014%; no homozygotes.

Submission:

Labcorp Genetics (formerly Invitae), Labcorp
Classification: Uncertain significance. Last evaluated: 2024-03-04. Review status: criteria provided, single submitter. Criteria: Invitae Variant Classification Sherloc (09022015). Collection method: clinical testing. Allele origin: germline.
Comment: This sequence change replaces arginine, which is basic and polar, with glutamine, which is neutral and polar, at codon 446 of the FSCN2 protein (p.Arg446Gln). This variant is present in population databases (no rsID available, gnomAD 0.01%). This variant has not been reported in the literature in individuals affected with FSCN2-related conditions. ClinVar contains an entry for this variant (Variation ID: 1523277). Algorithms developed to predict the effect of missense changes on protein structure and function output the following: SIFT: "Not Available"; PolyPhen-2: "Benign"; Align-GVGD: "Not Available". The glutamine amino acid residue is found in multiple mammalian species, which suggests that this missense change does not adversely affect protein function. In summary, the available evidence is currently insufficient to determine the role of this variant in disease. Therefore, it has been classified as a Variant of Uncertain Significance.